The following is an entry in ClinVar:

NM_012434.5(SLC17A5):c.254del (p.Glu85fs)

Gene: SLC17A5 (solute carrier family 17 member 5; minus strand). Cytogenetic location: 6q13.
Variant type: Deletion.
Coding change: c.254del on transcript NM_012434.5 (MANE Select); coding-DNA position 254, one base deleted (A; older notation c.254delA).
Protein change: p.Glu85fs; shifts the reading frame from glutamic acid 85.
Molecular consequence: frameshift variant. On other transcripts: intron variant (2).
Genome position (GRCh38, 1-based): chr6:73,644,444, T deleted on the plus strand (A on the coding strand, the reverse complement: SLC17A5 is on the minus strand). VCF-style (leftmost placement, unchanged base first): chr6-73644443-CT-C. GRCh37 (hg19) VCF-style: chr6-74354166-CT-C.
Other names: c.254del, p.Glu85fs (NM_001382630.1, NM_001382632.1, NM_001382633.1 and 2 more transcripts); c.275del, p.Glu92fs (NM_001382631.1); c.61-2520del (NM_001382636.1, NM_001382629.1); short protein forms E85fs, E92fs.
Identifiers: ClinVar variation 2678778 (VCV002678778.2), dbSNP rs2533520022, ClinGen allele CA2695198290.

ClinVar aggregate classification (germline): Pathogenic/Likely pathogenic. Review status: criteria provided, multiple submitters, no conflicts (2 of 4 stars). 2 submissions from 2 submitters: Pathogenic (1); Likely pathogenic (1). Last evaluated 2024-01-22.

Conditions:
Salla disease (SD). Also called: Sialuria, Finnish type; N-acetylneuraminic acid (NANA) storage disease (NSD); Infantile sialic acid storage disorder (ISSD); Less Severe FSASD (Salla Disease). Identifiers: Orphanet 309334, Orphanet 834, MedGen C1096903, MONDO:0011449, OMIM 604369.
Sialic acid storage disease, severe infantile type (ISSD). Also called: Free sialic acid storage disease, infantile form; N-ACETYLNEURAMINIC ACID STORAGE DISEASE; NANA STORAGE DISEASE; SIALURIA, INFANTILE FORM; INFANTILE SIALIC ACID STORAGE DISORDER; Infantile Sialic Acid Storage Disease. Identifiers: Orphanet 309324, Orphanet 834, MedGen C1096902, MONDO:0010027, OMIM 269920.

Submissions (2):

Myriad Genetics, Inc.
Classification: Pathogenic for Sialic acid storage disease, severe infantile type. Last evaluated: 2024-01-22. Review status: criteria provided, single submitter. Criteria: Myriad Autosomal Dominant, Autosomal Recessive and X-Linked Classification Criteria (2023). Collection method: clinical testing. Allele origin: unknown.
Comment: NM_012434.4(SLC17A5):c.254delA(E85Gfs*6) is expected to be pathogenic in the context of free sialic acid storage disorders. This variant is predicted to lead to an abnormal or absent protein product due to the creation of a premature termination codon in SLC17A5, a gene where loss-of-function variants are known to be pathogenic. Please note: this variant was assessed in the context of healthy population screening.

Baylor Genetics
Classification: Likely pathogenic for Salla disease. Last evaluated: 2022-07-19. Review status: criteria provided, single submitter. Criteria: ACMG Guidelines, 2015. Collection method: clinical testing. Allele origin: unknown.